The following is an entry in ClinVar:

NM_016216.4(DBR1):c.301del (p.Ala101fs)

Gene: DBR1 (debranching RNA lariats 1; minus strand). Cytogenetic location: 3q22.3.
Variant type: Deletion.
Coding change: c.301del on transcript NM_016216.4 (MANE Select); coding-DNA position 301, one base deleted (G; older notation c.301delG).
Protein change: p.Ala101fs; shifts the reading frame from alanine 101.
Molecular consequence: frameshift variant.
Genome position (GRCh38, 1-based): chr3:138,173,523, C deleted on the plus strand (G on the coding strand, the reverse complement: DBR1 is on the minus strand); the first of 2 consecutive C bases (chr3:138,173,523-138,173,524); deleting either gives the same sequence. VCF-style (leftmost placement, unchanged base first): chr3-138173522-GC-G. GRCh37 (hg19) VCF-style: chr3-137892364-GC-G.
Other names: short protein forms A101fs.
Identifiers: ClinVar variation 2065622 (VCV002065622.2), dbSNP rs1312132101, ClinGen allele CA435856080.

ClinVar aggregate classification (germline): Uncertain significance (1 of 4 stars; one submission).

Submission:

Labcorp Genetics (formerly Invitae), Labcorp
Classification: Uncertain significance. Last evaluated: 2022-11-02. Review status: criteria provided, single submitter. Criteria: Invitae Variant Classification Sherloc (09022015). Collection method: clinical testing. Allele origin: germline.
Comment: This sequence change creates a premature translational stop signal (p.Ala101Hisfs*7) in the DBR1 gene. It is expected to result in an absent or disrupted protein product. However, the current clinical and genetic evidence is not sufficient to establish whether loss-of-function variants in DBR1 cause disease. In summary, the available evidence is currently insufficient to determine the role of this variant in disease. Therefore, it has been classified as a Variant of Uncertain Significance. This variant has not been reported in the literature in individuals affected with DBR1-related conditions. This variant is not present in population databases (gnomAD no frequency).